The following is an entry in ClinVar:

NM_000334.4(SCN4A):c.4717A>G (p.Ile1573Val)

Genes: GH-LCR (growth hormone locus control region; plus strand), SCN4A (sodium voltage-gated channel alpha subunit 4; minus strand). Cytogenetic location: 17q23.3.
Variant type: single nucleotide variant.
Coding change: c.4717A>G on transcript NM_000334.4 (MANE Select); coding-DNA position 4717, A replaced by G.
Protein change: p.Ile1573Val; replaces isoleucine 1573 with valine.
Molecular consequence: missense variant.
Genome position (GRCh38, 1-based): chr17:63,941,565, T>C on the plus strand (A>G on the coding strand, the complement: SCN4A is on the minus strand). VCF-style: chr17-63941565-T-C. GRCh37 (hg19) VCF-style: chr17-62018925-T-C.
Other names: short protein forms I1573V.
Identifiers: ClinVar variation 2042770 (VCV002042770.6), dbSNP rs750898250, ClinGen allele CA8708908.
Genomic context (GRCh38, chr17:63,941,565, plus strand): 5'-ACATGTTGACCACGATGAGGAAGGAGATGATGATATAGCTGCAGAAGAAGCAGATGCCGA[T>C]GGAGGGGTTGCCGCAGTCACCCTTGACACTGGTGCCCGGGTTCTCCAGGTTGGGGTCACA-3'
Protein context (NP_000325.4, residues 1563-1583): SVKGDCGNPS[Ile1573Val]GICFFCSYII

ClinVar aggregate classification (germline): Uncertain significance. Review status: criteria provided, multiple submitters, no conflicts (2 of 4 stars). 2 submissions from 2 submitters: Uncertain significance (2). Last evaluated 2026-05-01.

Conditions:
Hyperkalemic periodic paralysis. Also called: Familial hyperkalemic periodic paralysis; Gamstorp disease. Identifiers: Orphanet 682, MedGen C0238357, MONDO:0008224, OMIM 170500, HP:0007215.

Allele frequency attached by ClinVar (database versions not stated): ExAC 0.00001; TOPMed 0.00001; gnomAD exomes 0.00002.
gnomAD v4.1: 28 of 1,613,998 alleles (0.0017%); highest among the groups gnomAD compares: Non-Finnish European, 0.0024%; no homozygotes.

Submissions (2):

CeGaT Center for Human Genetics Tuebingen
Classification: Uncertain significance. Last evaluated: 2026-05-01. Review status: criteria provided, single submitter. Criteria: CeGaT Center For Human Genetics Tuebingen Variant Classification Criteria Version 2. Collection method: clinical testing. Allele origin: germline. Affected: yes. Observed: 1 variant allele.
Comment: SCN4A: PM2

Labcorp Genetics (formerly Invitae), Labcorp
Classification: Uncertain significance for Hyperkalemic periodic paralysis. Last evaluated: 2024-01-25. Review status: criteria provided, single submitter. Criteria: Invitae Variant Classification Sherloc (09022015). Collection method: clinical testing. Allele origin: germline.
Comment: This sequence change replaces isoleucine, which is neutral and non-polar, with valine, which is neutral and non-polar, at codon 1573 of the SCN4A protein (p.Ile1573Val). This variant is present in population databases (rs750898250, gnomAD 0.0009%). This variant has not been reported in the literature in individuals affected with SCN4A-related conditions. ClinVar contains an entry for this variant (Variation ID: 2042770). Advanced modeling of protein sequence and biophysical properties (such as structural, functional, and spatial information, amino acid conservation, physicochemical variation, residue mobility, and thermodynamic stability) performed at Invitae indicates that this missense variant is not expected to disrupt SCN4A protein function with a negative predictive value of 95%. In summary, the available evidence is currently insufficient to determine the role of this variant in disease. Therefore, it has been classified as a Variant of Uncertain Significance.